The following is an entry in ClinVar:

ClinVar aggregate classification (germline): Conflicting classifications of pathogenicity. Review status: criteria provided, conflicting classifications (1 of 4 stars). 4 submissions from 4 submitters: Uncertain significance (3); Likely benign (1). Last evaluated 2026-06-30.

Conditions:
ADGRV1-related disorder. Also called: ADGRV1-related condition; ADGRV1-related disorders.
Inborn genetic diseases. Identifiers: MedGen C0950123, MeSH D030342.

Allele frequency attached by ClinVar (database versions not stated): gnomAD 0.00003; TOPMed 0.00005; gnomAD exomes 0.00007 and 0.00009; ESP Exome Variant Server 0.00008; ExAC 0.00009.
gnomAD v4.1: 102 of 1,586,364 alleles (0.0064%); highest among the groups gnomAD compares: Admixed American, 0.012%; no homozygotes.

Submissions (4):

PreventionGenetics, part of Exact Sciences
Classification: Uncertain significance for ADGRV1-related condition. Last evaluated: 2026-06-30. Review status: criteria provided, single submitter. Criteria: ACMG Guidelines, 2015. Collection method: clinical testing. Allele origin: germline.
Comment: The ADGRV1 c.4658G>A variant is predicted to result in the amino acid substitution p.Arg1553His. To our knowledge, this variant has not been reported in the literature. This variant is reported in 0.016% of alleles in individuals of Latino descent in gnomAD. At this time, the clinical significance of this variant is uncertain due to the absence of conclusive functional and genetic evidence.

Labcorp Genetics (formerly Invitae), Labcorp
Classification: Likely benign. Last evaluated: 2026-01-05. Review status: criteria provided, single submitter. Criteria: Invitae Variant Classification Sherloc (09022015). Collection method: clinical testing. Allele origin: germline.

GeneDx
Classification: Uncertain significance. Last evaluated: 2024-05-06. Review status: criteria provided, single submitter. Criteria: GeneDx Variant Classification Process June 2021. Collection method: clinical testing. Allele origin: germline.
Comment: In silico analysis supports that this missense variant does not alter protein structure/function; Has not been previously published as pathogenic or benign to our knowledge

Ambry Genetics
Classification: Uncertain significance for Inborn genetic diseases. Last evaluated: 2022-04-25. Review status: criteria provided, single submitter. Criteria: Ambry Variant Classification Scheme 2023. Collection method: clinical testing. Allele origin: germline.

NM_032119.4(ADGRV1):c.4658G>A (p.Arg1553His)

Gene: ADGRV1 (adhesion G protein-coupled receptor V1; plus strand). Cytogenetic location: 5q14.3.
Variant type: single nucleotide variant.
Coding change: c.4658G>A on transcript NM_032119.4 (MANE Select); coding-DNA position 4658, G replaced by A.
Protein change: p.Arg1553His; replaces arginine 1553 with histidine.
Molecular consequence: missense variant. On other transcripts: non-coding transcript variant (1).
Genome position (GRCh38, 1-based): chr5:90,658,184, G>A. VCF-style: chr5-90658184-G-A. GRCh37 (hg19) VCF-style: chr5-89954001-G-A.
Other names: short protein forms R1553H.
Identifiers: ClinVar variation 1037003 (VCV001037003.11), dbSNP rs369994629, ClinGen allele CA3339381.
Genomic context (GRCh38, chr5:90,658,184, plus strand): 5'-ATGACGAGGAAGGAGAAGAATTATTCATTCTTAAACTAGTTTCTGTATATGGAGGAGCTC[G>A]TATTTCGGAAGAAAATACTACTGCAAGATTAACAATACAAAAAAGTGACAATGCAAATGG-3'
Protein context (NP_115495.3, residues 1543-1563): LKLVSVYGGA[Arg1553His]ISEENTTARL